The following is an entry in ClinVar:

NM_000350.3(ABCA4):c.5977del (p.Ser1993fs)

Gene: ABCA4 (ATP binding cassette subfamily A member 4; minus strand). Cytogenetic location: 1p22.1.
Variant type: Deletion.
Coding change: c.5977del on transcript NM_000350.3 (MANE Select); coding-DNA position 5977, one base deleted (T; older notation c.5977delT).
Protein change: p.Ser1993fs; shifts the reading frame from serine 1993.
Molecular consequence: frameshift variant.
Genome position (GRCh38, 1-based): chr1:94,007,662, A deleted on the plus strand (T on the coding strand, the reverse complement: ABCA4 is on the minus strand). VCF-style (leftmost placement, unchanged base first): chr1-94007661-GA-G. GRCh37 (hg19) VCF-style: chr1-94473217-GA-G.
Other names: c.5755delT, p.Ser1919Glnfs (NM_001425324.1); short protein forms S1993fs.
Identifiers: ClinVar variation 930749 (VCV000930749.3), dbSNP rs1659426620, ClinGen allele CA1139656187.

ClinVar aggregate classification (germline): Pathogenic (1 of 4 stars; one submission).

Conditions:
Age related macular degeneration 2. Also called: MACULAR DEGENERATION, SENILE; MACULOPATHY, AGE-RELATED, 2; MACULOPATHY, AGE-RELATED. Identifiers: MedGen C3495438, MONDO:0007932, OMIM 153800.

Submission:

Centre for Mendelian Genomics, University Medical Centre Ljubljana
Classification: Pathogenic for Age related macular degeneration 2. Last evaluated: 2019-08-23. Review status: criteria provided, single submitter. Criteria: ACMG Guidelines, 2015. Collection method: clinical testing. Allele origin: unknown. Affected: yes.
Comment: This variant was classified as: Pathogenic. The following ACMG criteria were applied in classifying this variant: PVS1,PM2,PP4.